The following is an entry in ClinVar:

ClinVar aggregate classification (germline): Uncertain significance (1 of 4 stars; one submission).

Conditions:
Inborn genetic diseases. Identifiers: MedGen C0950123, MeSH D030342.

Allele frequency attached by ClinVar (database versions not stated): TOPMed below 0.00001; gnomAD 0.00001.
gnomAD v4.1: 8 of 1,613,992 alleles (0.0005%); highest among the groups gnomAD compares: South Asian, 0.0088%; no homozygotes.

Submission:

Ambry Genetics
Classification: Uncertain significance for Inborn genetic diseases. Last evaluated: 2022-09-12. Review status: criteria provided, single submitter. Criteria: Ambry Variant Classification Scheme 2023. Collection method: clinical testing. Allele origin: germline.
Comment: The p.Q265E variant (also known as c.793C>G), located in coding exon 7 of the BUB1B gene, results from a C to G substitution at nucleotide position 793. The glutamine at codon 265 is replaced by glutamic acid, an amino acid with highly similar properties. This amino acid position is conserved. In addition, this alteration is predicted to be tolerated by in silico analysis. Since supporting evidence is limited at this time, the clinical significance of this alteration remains unclear.

NM_001211.6(BUB1B):c.793C>G (p.Gln265Glu)

Gene: BUB1B (BUB1 mitotic checkpoint serine/threonine kinase B; plus strand). Cytogenetic location: 15q15.1.
Variant type: single nucleotide variant.
Coding change: c.793C>G on transcript NM_001211.6 (MANE Select); coding-DNA position 793, C replaced by G.
Protein change: p.Gln265Glu; replaces glutamine 265 with glutamic acid.
Molecular consequence: missense variant.
Genome position (GRCh38, 1-based): chr15:40,185,206, C>G. VCF-style: chr15-40185206-C-G. GRCh37 (hg19) VCF-style: chr15-40477407-C-G.
Other names: short protein forms Q265E.
Identifiers: ClinVar variation 1761311 (VCV001761311.2), dbSNP rs1288496293, ClinGen allele CA391683986.